The following is an entry in ClinVar:

ClinVar aggregate classification (germline): Uncertain significance. Review status: criteria provided, multiple submitters, no conflicts (2 of 4 stars). 2 submissions from 2 submitters: Uncertain significance (2). Last evaluated 2025-01-15.

Conditions:
Inborn genetic diseases. Identifiers: MedGen C0950123, MeSH D030342.
Pseudo-Hurler polydystrophy. Also called: ML III; ML III ALPHA/BETA; Type III Mucolipidosis; ML IIIA; Mucolipidosis III Alpha/Beta; MUCOLIPIDOSIS IIIA. Identifiers: Orphanet 423461, Orphanet 577, MedGen C0033788, MONDO:0018931, OMIM 252600.
Mucolipidosis type II. Also called: ML II ALPHA/BETA; Mucolipidosis 2; ML 2; Inclusion cell disease; Leroy Disease; N-acetylglucosamine 1phosphotransferase deficiency. Identifiers: Orphanet 576, MedGen C2673377, MONDO:0009650, OMIM 252500.

Allele frequency attached by ClinVar (database versions not stated): gnomAD exomes below 0.00001; TOPMed below 0.00001.
gnomAD v4.1: 2 of 1,613,232 alleles (0.00012%); highest among the groups gnomAD compares: Non-Finnish European, 0.00017%; no homozygotes.

Submissions (2):

Ambry Genetics
Classification: Uncertain significance for Inborn genetic diseases. Last evaluated: 2025-01-15. Review status: criteria provided, single submitter. Criteria: Ambry Variant Classification Scheme 2023. Collection method: clinical testing. Allele origin: germline.

Labcorp Genetics (formerly Invitae), Labcorp
Classification: Uncertain significance for Pseudo-Hurler polydystrophy; Mucolipidosis type II. Last evaluated: 2024-09-06. Review status: criteria provided, single submitter. Criteria: Invitae Variant Classification Sherloc (09022015). Collection method: clinical testing. Allele origin: germline.
Comment: This sequence change replaces lysine, which is basic and polar, with asparagine, which is neutral and polar, at codon 1146 of the GNPTAB protein (p.Lys1146Asn). This variant is not present in population databases (gnomAD no frequency). This variant has not been reported in the literature in individuals affected with GNPTAB-related conditions. ClinVar contains an entry for this variant (Variation ID: 1464863). Invitae Evidence Modeling of protein sequence and biophysical properties (such as structural, functional, and spatial information, amino acid conservation, physicochemical variation, residue mobility, and thermodynamic stability) indicates that this missense variant is expected to disrupt GNPTAB protein function with a positive predictive value of 80%. In summary, the available evidence is currently insufficient to determine the role of this variant in disease. Therefore, it has been classified as a Variant of Uncertain Significance.

NM_024312.5(GNPTAB):c.3438G>T (p.Lys1146Asn)

Gene: GNPTAB (N-acetylglucosamine-1-phosphate transferase subunits alpha and beta; minus strand). Cytogenetic location: 12q23.2.
Variant type: single nucleotide variant.
Coding change: c.3438G>T on transcript NM_024312.5 (MANE Select); coding-DNA position 3438, G replaced by T.
Protein change: p.Lys1146Asn; replaces lysine 1146 with asparagine.
Molecular consequence: missense variant.
Genome position (GRCh38, 1-based): chr12:101,753,536, C>A on the plus strand (G>T on the coding strand, the complement: GNPTAB is on the minus strand). VCF-style: chr12-101753536-C-A. GRCh37 (hg19) VCF-style: chr12-102147314-C-A.
Other names: c.3438G>T (NM_024312.4); short protein forms K1146N.
Identifiers: ClinVar variation 1464863 (VCV001464863.8), dbSNP rs1952854319, ClinGen allele CA386292840.